The following is an entry in ClinVar:

NM_007194.4(CHEK2):c.1461+1del

Gene: CHEK2 (checkpoint kinase 2; minus strand). Cytogenetic location: 22q12.1.
Variant type: Deletion.
Coding change: c.1461+1del on transcript NM_007194.4 (MANE Select); the canonical splice donor site of the intron after coding-DNA position 1461, one base deleted (G; older notation c.1461+1delG).
Molecular consequence: splice donor variant.
Genome position (GRCh38, 1-based): chr22:28,694,031, C deleted on the plus strand (G on the coding strand, the reverse complement: CHEK2 is on the minus strand); the first of 2 consecutive C bases (chr22:28,694,031-28,694,032); deleting either gives the same sequence. VCF-style (leftmost placement, unchanged base first): chr22-28694030-AC-A. GRCh37 (hg19) VCF-style: chr22-29090018-AC-A.
Other names: c.798+1del (NM_001437942.1, NM_001257387.3); c.1260+1del (NM_001349956.3); c.1374+1del (NM_145862.3); c.1467+1del (NM_001438295.1); c.1554+1del (NM_001438293.1); c.1503+1del (NM_001438294.1); c.1590+1del (NM_001005735.3).
Identifiers: ClinVar variation 2583362 (VCV002583362.3), dbSNP rs2517786195, ClinGen allele CA2582342735.

ClinVar aggregate classification (germline): Likely pathogenic. Review status: criteria provided, multiple submitters, no conflicts (2 of 4 stars). 2 submissions from 2 submitters: Likely pathogenic (2). Last evaluated 2024-11-29.

Conditions:
CHEK2-related cancer predisposition (TPDS4). Also called: TUMOR PREDISPOSITION SYNDROME 4; CANCER PREDISPOSITION SYNDROME, CHEK2-RELATED; CHEK2-related cancer susceptibility. Identifiers: Orphanet 524, MedGen C5882668, MONDO:0700271, OMIM 609265.
Familial cancer of breast. Also called: Hereditary breast cancer; BREAST CANCER, FAMILIAL; hereditary breast carcinoma. Identifiers: Orphanet 227535, MedGen C0346153, MONDO:0016419, OMIM 114480. Disease mechanism: loss of function.

Submissions (2):

Department of Human Genetics, Hannover Medical School
Classification: Likely pathogenic for CHEK2-related cancer predisposition. Last evaluated: 2024-11-29. Review status: criteria provided, single submitter. Criteria: ACMG Guidelines, 2015. Collection method: clinical testing. Allele origin: germline. Affected: yes.
Comment: Wappenschmidt et al. Klasse 4 (4.3). ACMG/ClinGen: Klasse 4 (PM2_Supporting, PVS1)

Myriad Genetics, Inc.
Classification: Likely pathogenic for Familial cancer of breast. Last evaluated: 2023-06-28. Review status: criteria provided, single submitter. Criteria: Myriad Autosomal Dominant, Autosomal Recessive and X-Linked Classification Criteria (2023). Collection method: clinical testing. Allele origin: unknown.
Comment: This variant is considered likely pathogenic. This variant occurs within a consensus splice junction and is predicted to result in abnormal mRNA splicing of either an out-of-frame exon or an in-frame exon necessary for protein stability and/or normal function.